The following is an entry in ClinVar:

NM_002432.3(MNDA):c.24T>G (p.Ile8Met)

Gene: MNDA (myeloid cell nuclear differentiation antigen; plus strand). Cytogenetic location: 1q23.1.
Variant type: single nucleotide variant.
Coding change: c.24T>G on transcript NM_002432.3 (MANE Select); coding-DNA position 24, T replaced by G.
Protein change: p.Ile8Met; replaces isoleucine 8 with methionine.
Molecular consequence: missense variant.
Genome position (GRCh38, 1-based): chr1:158,842,177, T>G. VCF-style: chr1-158842177-T-G. GRCh37 (hg19) VCF-style: chr1-158811967-T-G.
Other names: short protein forms I8M.
Identifiers: ClinVar variation 3397269 (VCV003397269.1).

ClinVar aggregate classification (germline): Uncertain significance (1 of 4 stars; one submission).

Submission:

Ambry Genetics
Classification: Uncertain significance. Last evaluated: 2024-10-12. Review status: criteria provided, single submitter. Criteria: Ambry Variant Classification Scheme 2023. Collection method: clinical testing. Allele origin: germline.
Comment: The p.I8M variant (also known as c.24T>G), located in coding exon 1 of the MNDA gene, results from a T to G substitution at nucleotide position 24. The isoleucine at codon 8 is replaced by methionine, an amino acid with highly similar properties. This amino acid position is conserved. In addition, this alteration is predicted to be tolerated by in silico analysis. Based on the available evidence, the clinical significance of this variant remains unclear.